The following is an entry in ClinVar:

NM_001009944.3(PKD1):c.12030_12046del (p.Trp4012fs)

Gene: PKD1 (polycystin 1, transient receptor potential channel interacting; minus strand). Cytogenetic location: 16p13.3.
Variant type: Deletion.
Coding change: c.12030_12046del on transcript NM_001009944.3 (MANE Select); coding-DNA positions 12030 to 12046, 17 bases deleted (CCAGTGGTCCGTCTTTG).
Protein change: p.Trp4012fs; shifts the reading frame from tryptophan 4012.
Molecular consequence: frameshift variant.
Genome position (GRCh38, 1-based): chr16:2,090,766-2,090,782, CAAAGACGGACCACTGG deleted on the plus strand (CCAGTGGTCCGTCTTTG on the coding strand, the reverse complement: PKD1 is on the minus strand); deleting any 17 consecutive bases within chr16:2,090,766-2,090,783 gives the same sequence; the c. name uses the placement nearest the transcript's 3' end. VCF-style (leftmost placement, unchanged base first): chr16-2090765-CCAAAGACGGACCACTGG-C. GRCh37 (hg19) VCF-style: chr16-2140766-CCAAAGACGGACCACTGG-C.
Other names: c.12027_12043del, p.Trp4011fs (NM_000296.4); short protein forms W4011fs, W4012fs.
Identifiers: ClinVar variation 4531534 (VCV004531534.1).
Genomic context (GRCh38, chr16:2,090,765, plus strand): 5'-AGCACCACCAGGCCCAAGGTGACCCCCAGGAGCTCTGGCAGAGCTCGGCATAATGTCTTG[CCAAAGACGGACCACTGG>C]CGCACGAAGCGTAGCTGCTGGGCAGCCTGCGGACGAGAAATCTGTCTGCTTGCAGCCCTG-3'

ClinVar aggregate classification (germline): Pathogenic (1 of 4 stars; one submission).

Conditions:
Polycystic kidney disease, adult type (PKD1). Also called: Polycystic Kidney, Autosomal Dominant; POLYCYSTIC KIDNEY DISEASE, ADULT, TYPE I; Polycystic Kidney Disease 1, Autosomal Dominant; Polycystic kidney disease 1; Polycystic kidney disease 1, severe; POLYCYSTIC KIDNEY DISEASE 1 WITH OR WITHOUT POLYCYSTIC LIVER DISEASE. Identifiers: MedGen C3149841, MONDO:0008263, OMIM 173900.

Submission:

Victorian Clinical Genetics Services, Murdoch Childrens Research Institute
Classification: Pathogenic for Polycystic kidney disease, adult type. Last evaluated: 2024-11-21. Review status: criteria provided, single submitter. Criteria: ACMG Guidelines, 2015. Collection method: clinical testing. Allele origin: germline. Affected: yes.
Comment: This variant is classified as Pathogenic. Evidence in support of pathogenic classification: Variant is predicted to result in a truncated protein (premature termination codon is NOT located at least 54 nucleotides upstream of the final exon-exon junction) with less than 1/3 of the protein sequence affected; Variant is absent from gnomAD (v2, v3 and v4); Other protein truncating variant(s) comparable to the one identified in this case have very strong previous evidence for pathogenicity (DECIPHER, ClinVar). Additional information: This variant is heterozygous; This gene is associated with autosomal dominant disease. Polycystic kidney disease 1 (MIM#173900) is predominantly caused by monoallelic variants, with rare reports of biallelic variants causing disease (OMIM); Loss of function is a known mechanism of disease in this gene and is associated with polycystic kidney disease 1 (MIM#173900); Inheritance information for this variant is not currently available in this individual.